The following is an entry in ClinVar:

NM_001276.4(CHI3L1):c.257+5G>A

Gene: CHI3L1 (chitinase 3 like 1; minus strand). Cytogenetic location: 1q32.1.
Variant type: single nucleotide variant.
Coding change: c.257+5G>A on transcript NM_001276.4 (MANE Select); 5 bases into the intron after coding-DNA position 257, G replaced by A.
Molecular consequence: intron variant.
Genome position (GRCh38, 1-based): chr1:203,185,179, C>T on the plus strand (G>A on the coding strand, the complement: CHI3L1 is on the minus strand). VCF-style: chr1-203185179-C-T. GRCh37 (hg19) VCF-style: chr1-203154307-C-T.
Other names: NC_000001.10:g.203154307C>T.
Identifiers: ClinVar variation 4348628 (VCV004348628.7).

ClinVar aggregate classification (germline): Likely benign (1 of 4 stars; one submission).

gnomAD v4.1: 1,395 of 1,613,606 alleles (0.086%); highest among the groups gnomAD compares: Middle Eastern, 1.3%; 3 homozygotes.

Submissions (4):

CeGaT Center for Human Genetics Tuebingen
Classification: Likely benign. Last evaluated: 2025-10-01. Review status: criteria provided, single submitter. Criteria: CeGaT Center For Human Genetics Tuebingen Variant Classification Criteria Version 2. Collection method: clinical testing. Allele origin: germline. Affected: yes. Observed: 1 variant allele.
Comment: CHI3L1: BP4, BS2

Dr. Peter K. Rogan Lab, Western University
No classification provided (evidence only). Condition: Thymoma. Review status: no classification provided. Collection method: in vitro. Allele origin: not applicable. Functional consequence: skipped exon. Not counted in ClinVar's aggregate classification.

Dr. Peter K. Rogan Lab, Western University
No classification provided (evidence only). Condition: Gastric cancer. Review status: no classification provided. Collection method: in vitro. Allele origin: not applicable. Functional consequence: retained intron. Not counted in ClinVar's aggregate classification.

Dr. Peter K. Rogan Lab, Western University
No classification provided (evidence only). Condition: Malignant tumor of esophagus. Review status: no classification provided. Collection method: in vitro. Allele origin: not applicable. Functional consequence: skipped exon. Not counted in ClinVar's aggregate classification.